The following is an entry in ClinVar:

ClinVar aggregate classification (germline): Uncertain significance. Review status: criteria provided, multiple submitters, no conflicts (2 of 4 stars). 2 submissions from 2 submitters: Uncertain significance (2). Last evaluated 2023-01-03.

Submissions (2):

GeneDx
Classification: Uncertain significance. Last evaluated: 2023-01-03. Review status: criteria provided, single submitter. Criteria: GeneDx Variant Classification Process June 2021. Collection method: clinical testing. Allele origin: germline. Affected: yes.
Comment: Not observed in large population cohorts (gnomAD); In silico analysis supports that this missense variant has a deleterious effect on protein structure/function; Occurs in the triple helical domain at the X position in the canonical Gly-X-Y repeat; although this variant may have an effect on normal protein folding and function, missense substitution at the X position is not a common mechanism of disease; Has not been previously published as pathogenic or benign to our knowledge

Labcorp Genetics (formerly Invitae), Labcorp
Classification: Uncertain significance. Last evaluated: 2021-08-26. Review status: criteria provided, single submitter. Criteria: Invitae Variant Classification Sherloc (09022015). Collection method: clinical testing. Allele origin: germline.
Comment: This sequence change replaces glutamic acid with glycine at codon 1019 of the COL11A2 protein (p.Glu1019Gly). The glutamic acid residue is highly conserved and there is a moderate physicochemical difference between glutamic acid and glycine. This variant is not present in population databases (ExAC no frequency). This variant has not been reported in the literature in individuals affected with COL11A2-related conditions. Advanced modeling of protein sequence and biophysical properties (such as structural, functional, and spatial information, amino acid conservation, physicochemical variation, residue mobility, and thermodynamic stability) performed at Invitae indicates that this missense variant is not expected to disrupt COL11A2 protein function. In summary, the available evidence is currently insufficient to determine the role of this variant in disease. Therefore, it has been classified as a Variant of Uncertain Significance.

NM_080680.3(COL11A2):c.3056A>G (p.Glu1019Gly)

Gene: COL11A2 (collagen type XI alpha 2 chain; minus strand). Cytogenetic location: 6p21.32.
Variant type: single nucleotide variant.
Coding change: c.3056A>G on transcript NM_080680.3 (MANE Select); coding-DNA position 3056, A replaced by G.
Protein change: p.Glu1019Gly; replaces glutamic acid 1019 with glycine.
Molecular consequence: missense variant.
Genome position (GRCh38, 1-based): chr6:33,171,807, T>C on the plus strand (A>G on the coding strand, the complement: COL11A2 is on the minus strand). VCF-style: chr6-33171807-T-C. GRCh37 (hg19) VCF-style: chr6-33139584-T-C.
Other names: c.2735A>G, p.Glu912Gly (NM_080679.3); c.2798A>G, p.Glu933Gly (NM_080681.3); short protein forms E1019G, E912G, E933G.
Identifiers: ClinVar variation 1186560 (VCV001186560.8), dbSNP rs2150548250, ClinGen allele CA363636570.
Genomic context (GRCh38, chr6:33,171,807, plus strand): 5'-CCCTGCGGGCCTGGGCGCCCTGGCGGACCAATGGGTCCCCCTGATCCTGCTGCACCTCGT[T>C]CCCCAGGGGAGCCCTGAGAAAGCAGATGGTCAGACCCCCAGGAAGGAGACACCAGCCCGC-3'
Protein context (NP_542411.2, residues 1009-1029): GPPGPAGSPG[Glu1019Gly]RGAAGSGGPI